The following is an entry in ClinVar:

NM_001371986.1(UNC80):c.7470C>T (p.Ala2490=)

Gene: UNC80 (unc-80 subunit of NALCN channel complex; plus strand). Cytogenetic location: 2q34.
Variant type: single nucleotide variant.
Coding change: c.7470C>T on transcript NM_001371986.1 (MANE Select); coding-DNA position 7470, C replaced by T.
Protein change: p.Ala2490=; no amino-acid change (alanine 2490 retained).
Molecular consequence: synonymous variant.
Genome position (GRCh38, 1-based): chr2:209,957,656, C>T. VCF-style: chr2-209957656-C-T. GRCh37 (hg19) VCF-style: chr2-210822380-C-T.
Other names: c.7272C>T, p.Ala2424= (NM_032504.2); c.7257C>T, p.Ala2419= (NM_182587.4).
Identifiers: ClinVar variation 777141 (VCV000777141.36), dbSNP rs77708914, ClinGen allele CA2083475.

ClinVar aggregate classification (germline): Benign/Likely benign. Review status: criteria provided, multiple submitters, no conflicts (2 of 4 stars). 4 submissions from 4 submitters: Benign (2); Likely benign (2). Last evaluated 2026-07-01.

Conditions:
Hypotonia, infantile, with psychomotor retardation and characteristic facies 2 (IHPRF2). Also called: UNC80 Deficiency. Identifiers: Orphanet 371364, Orphanet 700333, MedGen C4225203, MONDO:0014777, OMIM 616801.

Allele frequency attached by ClinVar (database versions not stated): 1000 Genomes Project 0.00100; ExAC 0.00129; 1000 Genomes Project 30x 0.00219; ESP Exome Variant Server 0.00219; TOPMed 0.00226; gnomAD 0.00237 and 0.00238; gnomAD exomes 0.00262 and 0.00270.
gnomAD v4.1: 4,140 of 1,551,244 alleles (0.27%); highest among the groups gnomAD compares: Admixed American, 0.49%; 9 homozygotes.

Submissions (4):

CeGaT Center for Human Genetics Tuebingen
Classification: Likely benign. Last evaluated: 2026-07-01. Review status: criteria provided, single submitter. Criteria: CeGaT Center For Human Genetics Tuebingen Variant Classification Criteria Version 2. Collection method: clinical testing. Allele origin: germline. Affected: yes. Observed: 6 variant alleles.
Comment: UNC80: BP4, BP7

Labcorp Genetics (formerly Invitae), Labcorp
Classification: Benign. Last evaluated: 2026-01-28. Review status: criteria provided, single submitter. Criteria: Invitae Variant Classification Sherloc (09022015). Collection method: clinical testing. Allele origin: germline.

ARUP Laboratories, Molecular Genetics and Genomics, ARUP Laboratories
Classification: Benign for Hypotonia, infantile, with psychomotor retardation and characteristic facies 2. Last evaluated: 2025-07-17. Review status: criteria provided, single submitter. Criteria: ARUP Molecular Germline Variant Investigation Process 2024. Collection method: clinical testing. Allele origin: germline.

Blueprint Genetics
Classification: Likely benign. Last evaluated: 2024-11-25. Review status: criteria provided, single submitter. Criteria: ACMG Guidelines, 2015. Collection method: clinical testing. Allele origin: germline.